The following is an entry in ClinVar:

NM_004369.4(COL6A3):c.6627+3G>A

Gene: COL6A3 (collagen type VI alpha 3 chain; minus strand). Cytogenetic location: 2q37.3.
Variant type: single nucleotide variant.
Coding change: c.6627+3G>A on transcript NM_004369.4 (MANE Select); 3 bases into the intron after coding-DNA position 6627, G replaced by A.
Molecular consequence: intron variant.
Genome position (GRCh38, 1-based): chr2:237,354,896, C>T on the plus strand (G>A on the coding strand, the complement: COL6A3 is on the minus strand). VCF-style: chr2-237354896-C-T. GRCh37 (hg19) VCF-style: chr2-238263539-C-T.
Other names: c.4806+3G>A (NM_057166.5); c.6009+3G>A (NM_057167.4).
Identifiers: ClinVar variation 1941379 (VCV001941379.8), dbSNP rs780942905, ClinGen allele CA2188168.

ClinVar aggregate classification (germline): Uncertain significance. Review status: criteria provided, multiple submitters, no conflicts (2 of 4 stars). 2 submissions from 2 submitters: Uncertain significance (2). Last evaluated 2025-12-19.

Conditions:
Bethlem myopathy 1A. Also called: MYOPATHY, BENIGN CONGENITAL, WITH CONTRACTURES; Bethlem myopathy 1; Bethlem Muscular Dystrophy. Identifiers: Orphanet 610, MedGen CN029274, MONDO:0024530, OMIM 158810.

Allele frequency attached by ClinVar (database versions not stated): ExAC 0.00001; TOPMed 0.00006; gnomAD 0.00007; gnomAD exomes 0.00008.
gnomAD v4.1: 128 of 1,613,574 alleles (0.0079%); highest among the groups gnomAD compares: Non-Finnish European, 0.0098%; no homozygotes.

Submissions (2):

Labcorp Genetics (formerly Invitae), Labcorp
Classification: Uncertain significance for Bethlem myopathy 1A. Last evaluated: 2025-12-19. Review status: criteria provided, single submitter. Criteria: Invitae Variant Classification Sherloc (09022015). Collection method: clinical testing. Allele origin: germline.
Comment: This sequence change falls in intron 24 of the COL6A3 gene. It does not directly change the encoded amino acid sequence of the COL6A3 protein. It affects a nucleotide within the consensus splice site. This variant is present in population databases (rs780942905, gnomAD 0.009%). This variant has not been reported in the literature in individuals affected with COL6A3-related conditions. ClinVar contains an entry for this variant (Variation ID: 1941379). Variants that disrupt the consensus splice site are a relatively common cause of aberrant splicing (PMID: 17576681, 9536098). Algorithms developed to predict the effect of sequence changes on RNA splicing suggest that this variant is not likely to affect RNA splicing. In summary, the available evidence is currently insufficient to determine the role of this variant in disease. Therefore, it has been classified as a Variant of Uncertain Significance.

Revvity Omics, Revvity
Classification: Uncertain significance. Last evaluated: 2022-09-15. Review status: criteria provided, single submitter. Criteria: ACMG Guidelines, 2015. Collection method: clinical testing. Allele origin: germline.

Literature cited by the submitters: PubMed 17576681 (cited by Labcorp Genetics (formerly Invitae), Labcorp); PubMed 9536098 (cited by Labcorp Genetics (formerly Invitae), Labcorp).